The following is an entry in ClinVar:

ClinVar aggregate classification (germline): Uncertain significance (1 of 4 stars; one submission).

gnomAD v4.1: 4 of 1,612,920 alleles (0.00025%); highest among the groups gnomAD compares: Non-Finnish European, 0.00034%; no homozygotes.

Submission:

CeGaT Center for Human Genetics Tuebingen
Classification: Uncertain significance. Last evaluated: 2023-09-01. Review status: criteria provided, single submitter. Criteria: CeGaT Center For Human Genetics Tuebingen Variant Classification Criteria Version 2. Collection method: clinical testing. Allele origin: germline. Affected: yes. Observed: 3 variant alleles.
Comment: LFNG: PM2, PM3, PP3

NM_001040167.2(LFNG):c.842C>A (p.Thr281Lys)

Gene: LFNG (LFNG O-fucosylpeptide 3-beta-N-acetylglucosaminyltransferase; plus strand). Cytogenetic location: 7p22.3.
Variant type: single nucleotide variant.
Coding change: c.842C>A on transcript NM_001040167.2 (MANE Select); coding-DNA position 842, C replaced by A.
Protein change: p.Thr281Lys; replaces threonine 281 with lysine.
Molecular consequence: missense variant.
Genome position (GRCh38, 1-based): chr7:2,526,264, C>A. VCF-style: chr7-2526264-C-A. GRCh37 (hg19) VCF-style: chr7-2565898-C-A.
Other names: c.842C>A, p.Thr281Lys (NM_001040168.2); c.629C>A, p.Thr210Lys (NM_001166355.2); c.455C>A, p.Thr152Lys (NM_002304.3); short protein forms T152K, T210K, T281K.
Identifiers: ClinVar variation 2583045 (VCV002583045.25), dbSNP rs760970272, ClinGen allele CA366619860.